The following is an entry in ClinVar:

ClinVar aggregate classification (germline): Uncertain significance. Review status: criteria provided, multiple submitters, no conflicts (2 of 4 stars). 2 submissions from 2 submitters: Uncertain significance (2). Last evaluated 2024-09-20.

Conditions:
Colorectal cancer, hereditary nonpolyposis, type 7. Identifiers: Orphanet 144, MedGen C1858380, MONDO:0013725, OMIM 614385.

Allele frequency attached by ClinVar (database versions not stated): gnomAD exomes 0.00002.
gnomAD v4.1: 18 of 1,613,228 alleles (0.0011%); highest among the groups gnomAD compares: Non-Finnish European, 0.0014%; no homozygotes.

Submissions (2):

Ambry Genetics
Classification: Uncertain significance. Last evaluated: 2024-09-20. Review status: criteria provided, single submitter. Criteria: Ambry Variant Classification Scheme 2023. Collection method: clinical testing. Allele origin: germline.
Comment: The p.D1130G variant (also known as c.3389A>G), located in coding exon 3 of the MLH3 gene, results from an A to G substitution at nucleotide position 3389. The aspartic acid at codon 1130 is replaced by glycine, an amino acid with similar properties. This amino acid position is conserved. In addition, this alteration is predicted to be tolerated by in silico analysis. Since supporting evidence is limited at this time, the clinical significance of this alteration remains unclear.

Labcorp Genetics (formerly Invitae), Labcorp
Classification: Uncertain significance for Colorectal cancer, hereditary nonpolyposis, type 7. Last evaluated: 2021-09-02. Review status: criteria provided, single submitter. Criteria: Invitae Variant Classification Sherloc (09022015). Collection method: clinical testing. Allele origin: germline.
Comment: This sequence change replaces aspartic acid with glycine at codon 1130 of the MLH3 protein (p.Asp1130Gly). The aspartic acid residue is weakly conserved and there is a moderate physicochemical difference between aspartic acid and glycine. This variant is not present in population databases (ExAC no frequency). This variant has not been reported in the literature in individuals affected with MLH3-related conditions. Algorithms developed to predict the effect of missense changes on protein structure and function output the following: SIFT: "Tolerated"; PolyPhen-2: "Benign"; Align-GVGD: "Class C0". The glycine amino acid residue is found in multiple mammalian species, which suggests that this missense change does not adversely affect protein function. In summary, the available evidence is currently insufficient to determine the role of this variant in disease. Therefore, it has been classified as a Variant of Uncertain Significance.

NM_001040108.2(MLH3):c.3389A>G (p.Asp1130Gly)

Gene: MLH3 (mutL homolog 3; minus strand). Cytogenetic location: 14q24.3.
Variant type: single nucleotide variant.
Coding change: c.3389A>G on transcript NM_001040108.2 (MANE Select); coding-DNA position 3389, A replaced by G.
Protein change: p.Asp1130Gly; replaces aspartic acid 1130 with glycine.
Molecular consequence: missense variant.
Genome position (GRCh38, 1-based): chr14:75,041,691, T>C on the plus strand (A>G on the coding strand, the complement: MLH3 is on the minus strand). VCF-style: chr14-75041691-T-C. GRCh37 (hg19) VCF-style: chr14-75508394-T-C.
Other names: c.3389A>G, p.Asp1130Gly (NM_014381.3); short protein forms D1130G.
Identifiers: ClinVar variation 960678 (VCV000960678.9), dbSNP rs1891868618, ClinGen allele CA390431161.